The following is an entry in ClinVar:

NM_005157.6(ABL1):c.644A>T (p.Tyr215Phe)

Gene: ABL1 (ABL proto-oncogene 1, non-receptor tyrosine kinase; plus strand). Cytogenetic location: 9q34.12.
Variant type: single nucleotide variant.
Coding change: c.644A>T on transcript NM_005157.6 (MANE Select); coding-DNA position 644, A replaced by T.
Protein change: p.Tyr215Phe; replaces tyrosine 215 with phenylalanine.
Molecular consequence: missense variant.
Genome position (GRCh38, 1-based): chr9:130,862,857, A>T. VCF-style: chr9-130862857-A-T. GRCh37 (hg19) VCF-style: chr9-133738244-A-T.
Other names: c.701A>T, p.Tyr234Phe (NM_007313.3); short protein forms Y215F, Y234F.
Identifiers: ClinVar variation 3001349 (VCV003001349.3), dbSNP rs1229072821, ClinGen allele CA375262598.

ClinVar aggregate classification (germline): Uncertain significance (1 of 4 stars; one submission).

Allele frequency attached by ClinVar (database versions not stated): TOPMed below 0.00001; gnomAD 0.00001; gnomAD exomes 0.00001.
gnomAD v4.1: 6 of 1,613,794 alleles (0.00037%); highest among the groups gnomAD compares: East Asian, 0.013%; no homozygotes.

Submission:

Labcorp Genetics (formerly Invitae), Labcorp
Classification: Uncertain significance. Last evaluated: 2023-11-18. Review status: criteria provided, single submitter. Criteria: Invitae Variant Classification Sherloc (09022015). Collection method: clinical testing. Allele origin: germline.
Comment: This sequence change replaces tyrosine, which is neutral and polar, with phenylalanine, which is neutral and non-polar, at codon 234 of the ABL1 protein (p.Tyr234Phe). This variant is present in population databases (no rsID available, gnomAD 0.01%). This variant has not been reported in the literature in individuals affected with ABL1-related conditions. Advanced modeling of protein sequence and biophysical properties (such as structural, functional, and spatial information, amino acid conservation, physicochemical variation, residue mobility, and thermodynamic stability) performed at Invitae indicates that this missense variant is expected to disrupt ABL1 protein function with a positive predictive value of 80%. In summary, the available evidence is currently insufficient to determine the role of this variant in disease. Therefore, it has been classified as a Variant of Uncertain Significance.